The following is an entry in ClinVar:

ClinVar aggregate classification (germline): Uncertain significance (1 of 4 stars; one submission).

Allele frequency attached by ClinVar (database versions not stated): ExAC 0.00001; gnomAD exomes 0.00001 and 0.00002; TOPMed 0.00003.
gnomAD v4.1: 27 of 1,614,114 alleles (0.0017%); highest among the groups gnomAD compares: Non-Finnish European, 0.0022%; no homozygotes.

Submission:

Labcorp Genetics (formerly Invitae), Labcorp
Classification: Uncertain significance. Last evaluated: 2024-10-17. Review status: criteria provided, single submitter. Criteria: Invitae Variant Classification Sherloc (09022015). Collection method: clinical testing. Allele origin: germline.
Comment: This sequence change replaces arginine, which is basic and polar, with glutamine, which is neutral and polar, at codon 968 of the LRP6 protein (p.Arg968Gln). This variant is present in population databases (rs761104084, gnomAD 0.003%). This variant has not been reported in the literature in individuals affected with LRP6-related conditions. ClinVar contains an entry for this variant (Variation ID: 1397812). Invitae Evidence Modeling of protein sequence and biophysical properties (such as structural, functional, and spatial information, amino acid conservation, physicochemical variation, residue mobility, and thermodynamic stability) indicates that this missense variant is not expected to disrupt LRP6 protein function with a negative predictive value of 80%. In summary, the available evidence is currently insufficient to determine the role of this variant in disease. Therefore, it has been classified as a Variant of Uncertain Significance.

NM_002336.3(LRP6):c.2903G>A (p.Arg968Gln)

Gene: LRP6 (LDL receptor related protein 6; minus strand). Cytogenetic location: 12p13.2.
Variant type: single nucleotide variant.
Coding change: c.2903G>A on transcript NM_002336.3 (MANE Select); coding-DNA position 2903, G replaced by A.
Protein change: p.Arg968Gln; replaces arginine 968 with glutamine.
Molecular consequence: missense variant.
Genome position (GRCh38, 1-based): chr12:12,150,927, C>T on the plus strand (G>A on the coding strand, the complement: LRP6 is on the minus strand). VCF-style: chr12-12150927-C-T. GRCh37 (hg19) VCF-style: chr12-12303861-C-T.
Other names: short protein forms R968Q.
Identifiers: ClinVar variation 1397812 (VCV001397812.9), dbSNP rs761104084, ClinGen allele CA6455367.
Genomic context (GRCh38, chr12:12,150,927, plus strand): 5'-ATGTTTTGTCGTGAGTCAATCCAATAGAGTTGCTTGTCCAGTGGGTCATAGTCAATGGCC[C>T]GGACATTCCGAAGGCTGTGGATGGGAAGGATGATGTCGGGGCTCTGTTGTTCATCAATCA-3'
Protein context (NP_002327.2, residues 958-978): ILPIHSLRNV[Arg968Gln]AIDYDPLDKQ